The following is an entry in ClinVar:

NM_006265.3(RAD21):c.274G>A (p.Gly92Ser)

Gene: RAD21 (RAD21 cohesin complex component; minus strand). Cytogenetic location: 8q24.11.
Variant type: single nucleotide variant.
Coding change: c.274G>A on transcript NM_006265.3 (MANE Select); coding-DNA position 274, G replaced by A.
Protein change: p.Gly92Ser; replaces glycine 92 with serine.
Molecular consequence: missense variant.
Genome position (GRCh38, 1-based): chr8:116,863,130, C>T on the plus strand (G>A on the coding strand, the complement: RAD21 is on the minus strand). VCF-style: chr8-116863130-C-T. GRCh37 (hg19) VCF-style: chr8-117875369-C-T.
Other names: short protein forms G92S.
Identifiers: ClinVar variation 4282467 (VCV004282467.1).

ClinVar aggregate classification (germline): Likely pathogenic (1 of 4 stars; one submission).

gnomAD v4.1: 1 of 1,600,030 alleles (0.000062%); highest among the groups gnomAD compares: East Asian, 0.0022%; no homozygotes.

Submission:

GeneDx
Classification: Likely pathogenic. Last evaluated: 2025-04-08. Review status: criteria provided, single submitter. Criteria: GeneDx Variant Classification Process June 2021. Collection method: clinical testing. Allele origin: germline. Affected: yes.
Comment: Not observed at significant frequency in large population cohorts (gnomAD); In silico analysis supports that this missense variant has a deleterious effect on protein structure/function; In silico analysis is inconclusive as to whether the variant alters gene splicing. In the absence of RNA/functional studies, the actual effect of this sequence change is unknown.; Has not been previously published as pathogenic or benign to our knowledge